The following is an entry in ClinVar:

ClinVar aggregate classification (germline): Uncertain significance (1 of 4 stars; one submission).

Submission:

Labcorp Genetics (formerly Invitae), Labcorp
Classification: Uncertain significance. Last evaluated: 2025-10-21. Review status: criteria provided, single submitter. Criteria: Invitae Variant Classification Sherloc (09022015). Collection method: clinical testing. Allele origin: germline.
Comment: This sequence change replaces arginine, which is basic and polar, with glycine, which is neutral and non-polar, at codon 460 of the KRT1 protein (p.Arg460Gly). This variant is present in population databases (rs756735090, gnomAD 0.004%). This variant has not been reported in the literature in individuals affected with KRT1-related conditions. Invitae Evidence Modeling of protein sequence and biophysical properties (such as structural, functional, and spatial information, amino acid conservation, physicochemical variation, residue mobility, and thermodynamic stability) has been performed for this missense variant. However, the output from this modeling did not meet the statistical confidence thresholds required to predict the impact of this variant on KRT1 protein function. In summary, the available evidence is currently insufficient to determine the role of this variant in disease. Therefore, it has been classified as a Variant of Uncertain Significance.

NM_006121.4(KRT1):c.1378C>G (p.Arg460Gly)

Gene: KRT1 (keratin 1; minus strand). Cytogenetic location: 12q13.13.
Variant type: single nucleotide variant.
Coding change: c.1378C>G on transcript NM_006121.4 (MANE Select); coding-DNA position 1378, C replaced by G.
Protein change: p.Arg460Gly; replaces arginine 460 with glycine.
Molecular consequence: missense variant.
Genome position (GRCh38, 1-based): chr12:52,676,372, G>C on the plus strand (C>G on the coding strand, the complement: KRT1 is on the minus strand). VCF-style: chr12-52676372-G-C. GRCh37 (hg19) VCF-style: chr12-53070156-G-C.
Other names: short protein forms R460G.
Identifiers: ClinVar variation 4779068 (VCV004779068.1).
Genomic context (GRCh38, chr12:52,676,372, plus strand): 5'-CAATCTCCAGATCCAGGGCCAGCTTTGTGTTCATCAGCTCCTGGTAGTCGCGCAGCAGGC[G>C]GGCCAGGTCTTCCTTGGCCTGCTGCAGGGCATCCTCCAGGTCATTCAGCTTGTTCTTGGC-3'
Protein context (NP_006112.3, residues 450-470): ALQQAKEDLA[Arg460Gly]LLRDYQELMN